The following is an entry in ClinVar:

NM_001081.4(CUBN):c.7379T>C (p.Ile2460Thr)

Gene: CUBN (cubilin; minus strand). Cytogenetic location: 10p13.
Variant type: single nucleotide variant.
Coding change: c.7379T>C on transcript NM_001081.4 (MANE Select); coding-DNA position 7379, T replaced by C.
Protein change: p.Ile2460Thr; replaces isoleucine 2460 with threonine.
Molecular consequence: missense variant.
Genome position (GRCh38, 1-based): chr10:16,913,965, A>G on the plus strand (T>C on the coding strand, the complement: CUBN is on the minus strand). VCF-style: chr10-16913965-A-G. GRCh37 (hg19) VCF-style: chr10-16955964-A-G.
Other names: short protein forms I2460T.
Identifiers: ClinVar variation 1994778 (VCV001994778.4), dbSNP rs143783280, ClinGen allele CA5423381.
Genomic context (GRCh38, chr10:16,913,965, plus strand): 5'-CACTCGCAGATCCGGCCATGAGGATTTGGGTTCGGGTAGTTGGGAGAAGTAAATGTTCCA[A>G]TAGAGCCCTGAAGATCCCCACCACACTCTGACGTGGGGAAAAAGCCAAGAAAACTTTCAA-3'
Protein context (NP_001072.2, residues 2450-2470): EECGGDLQGS[Ile2460Thr]GTFTSPNYPN

ClinVar aggregate classification (germline): Uncertain significance (1 of 4 stars; one submission).

Conditions:
Imerslund-Grasbeck syndrome. Also called: Megaloblastic anemia due to inborn errors of metabolism; ENTEROCYTE COBALAMIN MALABSORPTION; ENTEROCYTE INTRINSIC FACTOR RECEPTOR, DEFECT OF; Imerslund-Gräsbeck syndrome; PERNICIOUS ANEMIA, JUVENILE, DUE TO SELECTIVE INTESTINAL MALABSORPTION OF VITAMIN B12, WITH PROTEINURIA. Identifiers: Orphanet 35858, MedGen C4551825, MONDO:0009853.

Allele frequency attached by ClinVar (database versions not stated): ExAC 0.00002; ESP Exome Variant Server 0.00008; gnomAD exomes 0.00002.
gnomAD v4.1: 23 of 1,614,112 alleles (0.0014%); highest among the groups gnomAD compares: Admixed American, 0.0017%; no homozygotes.

Submission:

Labcorp Genetics (formerly Invitae), Labcorp
Classification: Uncertain significance for Imerslund-Grasbeck syndrome. Last evaluated: 2025-06-12. Review status: criteria provided, single submitter. Criteria: Invitae Variant Classification Sherloc (09022015). Collection method: clinical testing. Allele origin: germline.
Comment: This sequence change replaces isoleucine, which is neutral and non-polar, with threonine, which is neutral and polar, at codon 2460 of the CUBN protein (p.Ile2460Thr). This variant is present in population databases (rs143783280, gnomAD 0.008%). This variant has not been reported in the literature in individuals affected with CUBN-related conditions. ClinVar contains an entry for this variant (Variation ID: 1994778). Invitae Evidence Modeling of protein sequence and biophysical properties (such as structural, functional, and spatial information, amino acid conservation, physicochemical variation, residue mobility, and thermodynamic stability) indicates that this missense variant is not expected to disrupt CUBN protein function with a negative predictive value of 80%. In summary, the available evidence is currently insufficient to determine the role of this variant in disease. Therefore, it has been classified as a Variant of Uncertain Significance.